The following is an entry in ClinVar:

NM_014806.5(RUSC2):c.3229C>T (p.Gln1077Ter)

Gene: RUSC2 (RUN and SH3 domain containing 2; plus strand). Cytogenetic location: 9p13.3.
Variant type: single nucleotide variant.
Coding change: c.3229C>T on transcript NM_014806.5 (MANE Select); coding-DNA position 3229, C replaced by T.
Protein change: p.Gln1077Ter; replaces glutamine 1077 with a stop codon.
Molecular consequence: nonsense. On other transcripts: non-coding transcript variant (1).
Genome position (GRCh38, 1-based): chr9:35,558,365, C>T. VCF-style: chr9-35558365-C-T. GRCh37 (hg19) VCF-style: chr9-35558362-C-T.
Other names: c.3229C>T, p.Gln1077Ter (NM_001135999.2); c.595C>T, p.Gln199Ter (NM_001330740.2); short protein forms Q199*, Q1077*.
Identifiers: ClinVar variation 2697116 (VCV002697116.3), dbSNP rs1225310096, ClinGen allele CA373348943.
Genomic context (GRCh38, chr9:35,558,365, plus strand): 5'-CTGGACGTCATCATCGGGCAGCGTAAGAACATGCCATGGAGTGTGGTTGAGGCTTCCACA[C>T]AGCTAGGTAGGTGCTGGGTGCCAAGACGGGGACCCAGGGCTGAATTTAGGGCTCCAGAAA-3'

ClinVar aggregate classification (germline): Pathogenic (1 of 4 stars; one submission).

Allele frequency attached by ClinVar (database versions not stated): TOPMed below 0.00001; gnomAD 0.00001.

Submission:

Labcorp Genetics (formerly Invitae), Labcorp
Classification: Pathogenic. Last evaluated: 2024-04-08. Review status: criteria provided, single submitter. Criteria: Invitae Variant Classification Sherloc (09022015). Collection method: clinical testing. Allele origin: germline.
Comment: This sequence change creates a premature translational stop signal (p.Gln1077*) in the RUSC2 gene. It is expected to result in an absent or disrupted protein product. Loss-of-function variants in RUSC2 are known to be pathogenic (PMID: 27612186). This variant is not present in population databases (gnomAD no frequency). This variant has not been reported in the literature in individuals affected with RUSC2-related conditions. Algorithms developed to predict the effect of sequence changes on RNA splicing suggest that this variant may create or strengthen a splice site. For these reasons, this variant has been classified as Pathogenic.

Literature cited by the submitters: PubMed 27612186.